The following is an entry in ClinVar:

ClinVar aggregate classification (germline): Benign/Likely benign. Review status: criteria provided, multiple submitters, no conflicts (2 of 4 stars). 4 submissions from 4 submitters: Benign (1); Likely benign (2). 1 of the submissions does not count toward it. Last evaluated 2026-01-13.

Conditions:
Leber congenital amaurosis (LCA). Also called: Leber's amaurosis. Identifiers: Orphanet 65, MedGen C0339527, MeSH D057130, MONDO:0018998.
Nephronophthisis. Also called: Juvenile Nephronophthisis. Identifiers: Orphanet 655, MedGen C0687120, MONDO:0019005, HP:0000090.
Meckel-Gruber syndrome. Also called: GRUBER SYNDROME; Dysencephalia splachnocystica; DYSENCEPHALIA SPLANCHNOCYSTICA. Identifiers: Orphanet 564, MedGen C0265215, MONDO:0018921.
Joubert syndrome. Also called: JOUBERT-BOLTSHAUSER SYNDROME; Familial aplasia of the vermis. Identifiers: Orphanet 475, MedGen C5979921, MONDO:0018772.

Allele frequency attached by ClinVar (database versions not stated): gnomAD exomes 0.00009; 1000 Genomes Project 30x 0.00016; ExAC 0.00024; gnomAD 0.00040 and 0.00046; TOPMed 0.00046; ESP Exome Variant Server 0.00068.
gnomAD v4.1: 118 of 1,602,990 alleles (0.0074%); highest among the groups gnomAD compares: African/African-American, 0.15%; 1 homozygote.

Submissions (4):

Labcorp Genetics (formerly Invitae), Labcorp
Classification: Benign for Joubert syndrome; Meckel-Gruber syndrome; Nephronophthisis. Last evaluated: 2026-01-13. Review status: criteria provided, single submitter. Criteria: Invitae Variant Classification Sherloc (09022015). Collection method: clinical testing. Allele origin: germline.

Blueprint Genetics
Classification: Likely benign. Last evaluated: 2023-11-27. Review status: criteria provided, single submitter. Criteria: ACMG Guidelines, 2015. Collection method: clinical testing. Allele origin: germline.

GeneDx
Classification: Likely benign. Last evaluated: 2016-08-30. Review status: criteria provided, single submitter. Criteria: GeneDx Variant Classification (06012015). Collection method: clinical testing. Allele origin: germline. Affected: yes.
Comment: This variant is considered likely benign or benign based on one or more of the following criteria: it is a conservative change, it occurs at a poorly conserved position in the protein, it is predicted to be benign by multiple in silico algorithms, and/or has population frequency not consistent with disease.

Natera, Inc.
Classification: Likely benign for Leber congenital amaurosis. Last evaluated: 2019-12-12. Review status: no assertion criteria provided. Collection method: clinical testing. Allele origin: germline. Not counted in ClinVar's aggregate classification.

NM_025114.4(CEP290):c.2595C>T (p.Leu865=)

Gene: CEP290 (centrosomal protein 290; minus strand). Cytogenetic location: 12q21.32.
Variant type: single nucleotide variant.
Coding change: c.2595C>T on transcript NM_025114.4 (MANE Select); coding-DNA position 2595, C replaced by T.
Protein change: p.Leu865=; no amino-acid change (leucine 865 retained).
Molecular consequence: synonymous variant.
Genome position (GRCh38, 1-based): chr12:88,106,897, G>A on the plus strand (C>T on the coding strand, the complement: CEP290 is on the minus strand). VCF-style: chr12-88106897-G-A. GRCh37 (hg19) VCF-style: chr12-88500674-G-A.
Identifiers: ClinVar variation 389097 (VCV000389097.14), dbSNP rs114632733, ClinGen allele CA6712299.